The following is an entry in ClinVar:

ClinVar aggregate classification (germline): Uncertain significance (1 of 4 stars; one submission).

Allele frequency attached by ClinVar (database versions not stated): gnomAD exomes 0.00001 and 0.00002; ExAC 0.00002; gnomAD 0.00004 and 0.00005; TOPMed 0.00005; ESP Exome Variant Server 0.00008; 1000 Genomes Project 30x 0.00016; 1000 Genomes Project 0.00020.
gnomAD v4.1: 29 of 1,612,574 alleles (0.0018%); highest among the groups gnomAD compares: South Asian, 0.011%; 1 homozygote.

Submission:

Labcorp Genetics (formerly Invitae), Labcorp
Classification: Uncertain significance. Last evaluated: 2025-02-10. Review status: criteria provided, single submitter. Criteria: Invitae Variant Classification Sherloc (09022015). Collection method: clinical testing. Allele origin: germline.
Comment: This sequence change replaces arginine, which is basic and polar, with histidine, which is basic and polar, at codon 283 of the FGFRL1 protein (p.Arg283His). This variant is present in population databases (rs372119720, gnomAD 0.007%). This variant has not been reported in the literature in individuals affected with FGFRL1-related conditions. ClinVar contains an entry for this variant (Variation ID: 1424508). An algorithm developed to predict the effect of missense changes on protein structure and function (PolyPhen-2) suggests that this variant is likely to be disruptive. In summary, the available evidence is currently insufficient to determine the role of this variant in disease. Therefore, it has been classified as a Variant of Uncertain Significance.

NM_001004356.3(FGFRL1):c.848G>A (p.Arg283His)

Gene: FGFRL1 (fibroblast growth factor receptor like 1; plus strand). Cytogenetic location: 4p16.3.
Variant type: single nucleotide variant.
Coding change: c.848G>A on transcript NM_001004356.3 (MANE Select); coding-DNA position 848, G replaced by A.
Protein change: p.Arg283His; replaces arginine 283 with histidine.
Molecular consequence: missense variant.
Genome position (GRCh38, 1-based): chr4:1,024,440, G>A. VCF-style: chr4-1024440-G-A. GRCh37 (hg19) VCF-style: chr4-1018228-G-A.
Other names: c.848G>A, p.Arg283His (NM_001004358.1, NM_001370296.1, NM_021923.3); short protein forms R283H.
Identifiers: ClinVar variation 1424508 (VCV001424508.6), dbSNP rs372119720, ClinGen allele CA2802882.